The following is an entry in ClinVar:

ClinVar aggregate classification (germline): Pathogenic. Review status: criteria provided, multiple submitters, no conflicts (2 of 4 stars). 8 submissions from 8 submitters: Pathogenic (7). 1 of the submissions does not count toward it. Last evaluated 2026-04-23.

Conditions:
Paroxysmal central nervous system disorders.
Episodic kinesigenic dyskinesia (EKD). Also called: Paroxysmal kinesigenic dyskinesia. Identifiers: Orphanet 98809, MedGen C1868682, MONDO:0044202.
Infantile convulsions and choreoathetosis (ICCA). Also called: PAROXYSMAL KINESIGENIC DYSKINESIA WITH INFANTILE CONVULSIONS; PRRT2-Related Paroxysmal Kinesigenic Dyskinesia with Infantile Convulsions (PKD/IC). Identifiers: Orphanet 31709, MedGen C1865926, MONDO:0011178, OMIM 602066.
Seizures, benign familial infantile, 2 (BFIS2). Also called: CONVULSIONS, BENIGN FAMILIAL INFANTILE, 2. Identifiers: Orphanet 306, MedGen C1853995, MONDO:0011593, OMIM 605751.
Episodic kinesigenic dyskinesia 1 (EKD1). Also called: Dystonia 10; PAROXYSMAL KINESIGENIC CHOREOATHETOSIS; PxMD-PRRT2; DYSTONIA, FAMILIAL PAROXYSMAL; PRRT2-Related Paroxysmal Kinesigenic Dyskinesia (PKD). Identifiers: Orphanet 98809, MedGen C4552000, MONDO:0100352, OMIM 128200, MONDO:0007494.

Allele frequency attached by ClinVar (database versions not stated): gnomAD exomes below 0.00001.

Submissions (8):

Cambridge Genomics Laboratory, East Genomic Laboratory Hub, NHS Genomic Medicine Service
Classification: Pathogenic for Paroxysmal central nervous system disorders. Last evaluated: 2026-04-23. Review status: criteria provided, single submitter. Criteria: ACGS Best Practice Guidelines for Variant Classification in Rare Disease 2020. Collection method: clinical testing. Allele origin: germline. Affected: yes.
Comment: PVS1,PM2

3billion
Classification: Pathogenic for Episodic kinesigenic dyskinesia 1. Last evaluated: 2024-01-19. Review status: criteria provided, single submitter. Criteria: ACMG Guidelines, 2015. Collection method: clinical testing. Allele origin: germline. Affected: yes.
Comment: The variant is observed at an extremely low frequency in the gnomAD v2.1.1 dataset (total allele frequency: <0.001%). Predicted Consequence/Location: Stop-gained (nonsense): predicted to result in a loss or disruption of normal protein function through nonsense-mediated decay (NMD) or protein truncation. Multiple pathogenic variants are reported downstream of the variant. The variant has been reported at least twice as pathogenic without evidence for the classification (ClinVar ID: VCV000031174 /PMID: 22832103). Therefore, this variant is classified as Pathogenic according to the recommendation of ACMG/AMP guideline.

CeGaT Center for Human Genetics Tuebingen
Classification: Pathogenic. Last evaluated: 2024-01-01. Review status: criteria provided, single submitter. Criteria: CeGaT Center For Human Genetics Tuebingen Variant Classification Criteria Version 2. Collection method: clinical testing. Allele origin: germline. Affected: yes. Observed: 1 variant allele.
Comment: PRRT2: PVS1, PP1:Strong, PM2, PS4:Moderate

Labcorp Genetics (formerly Invitae), Labcorp
Classification: Pathogenic for Episodic kinesigenic dyskinesia. Last evaluated: 2023-01-18. Review status: criteria provided, single submitter. Criteria: Invitae Variant Classification Sherloc (09022015). Collection method: clinical testing. Allele origin: germline.
Comment: For these reasons, this variant has been classified as Pathogenic. ClinVar contains an entry for this variant (Variation ID: 31174). This premature translational stop signal has been observed in individuals with paroxysmal kinesigenic dyskinesia or benign familial infantile seizures (PMID: 22832103, 23077017, 23352743). It has also been observed to segregate with disease in related individuals. The frequency data for this variant in the population databases is considered unreliable, as metrics indicate poor data quality at this position in the gnomAD database. This sequence change creates a premature translational stop signal (p.Arg240*) in the PRRT2 gene. It is expected to result in an absent or disrupted protein product. Loss-of-function variants in PRRT2 are known to be pathogenic (PMID: 22623405, 22744660).

Mendelics
Classification: Pathogenic for Episodic kinesigenic dyskinesia 1. Last evaluated: 2022-05-04. Review status: criteria provided, single submitter. Criteria: Mendelics Assertion Criteria 2019. Collection method: clinical testing. Allele origin: germline.

MGZ Medical Genetics Center
Classification: Pathogenic for Seizures, benign familial infantile, 2. Last evaluated: 2021-09-02. Review status: criteria provided, single submitter. Criteria: ACMG Guidelines, 2015. Collection method: clinical testing. Allele origin: germline. Affected: yes. Observed: 1 variant allele.
Comment: ACMG criteria applied: PVS1, PS4, PM2_SUP

GeneDx
Classification: Pathogenic. Last evaluated: 2015-03-24. Review status: criteria provided, single submitter. Criteria: GeneDx Variant Classification (06012015). Collection method: clinical testing. Allele origin: germline. Affected: yes.
Comment: The R240X nonsense variant in the PRRT2 gene has been reported previously in association with paroxysmal kinesigenic dyskinesia with infantile convulsions (PKD/IC), PKD with migraines without aura, and benign familial infantile seizures (BFIS) (Lee et al., 2012; Cloarec et al., 2012; Labate et al., 2013). This variant is predicted to cause loss of normal protein function either through protein truncation or nonsense-mediated mRNA decay. We interpret this variant as pathogenic.

OMIM
Classification: Pathogenic for CONVULSIONS, FAMILIAL INFANTILE, WITH PAROXYSMAL CHOREOATHETOSIS. Last evaluated: 2012-01-26. Review status: no assertion criteria provided. Collection method: literature only. Allele origin: germline. Not counted in ClinVar's aggregate classification.

Literature cited by the submitters: PubMed 22832103 (cited by 3 submitters); PubMed 23077017 (cited by Labcorp Genetics (formerly Invitae), Labcorp); PubMed 23352743 (cited by Labcorp Genetics (formerly Invitae), Labcorp); PubMed 22623405 (cited by Labcorp Genetics (formerly Invitae), Labcorp); PubMed 22744660 (cited by Labcorp Genetics (formerly Invitae), Labcorp).

NM_145239.3(PRRT2):c.718C>T (p.Arg240Ter)

Genes: MVP-DT (MVP divergent transcript; minus strand), PRRT2 (proline rich transmembrane protein 2; plus strand). Cytogenetic location: 16p11.2.
Variant type: single nucleotide variant.
Coding change: c.718C>T on transcript NM_145239.3 (MANE Select); coding-DNA position 718, C replaced by T.
Protein change: p.Arg240Ter; replaces arginine 240 with a stop codon.
Molecular consequence: nonsense.
Genome position (GRCh38, 1-based): chr16:29,813,772, C>T. VCF-style: chr16-29813772-C-T. GRCh37 (hg19) VCF-style: chr16-29825093-C-T.
Other names: c.718C>T, p.Arg240Ter (NM_001256442.2, NM_001256443.2); short protein forms R240*.
Identifiers: ClinVar variation 31174 (VCV000031174.38), dbSNP rs387907126, ClinGen allele CA129727.